The following is an entry in ClinVar:

ClinVar aggregate classification (germline): Uncertain significance (1 of 4 stars; one submission).

Conditions:
Bethlem myopathy 1A. Also called: Bethlem Muscular Dystrophy; Bethlem myopathy 1; MYOPATHY, BENIGN CONGENITAL, WITH CONTRACTURES. Identifiers: Orphanet 610, MedGen CN029274, MONDO:0024530, OMIM 158810.

Allele frequency attached by ClinVar (database versions not stated): gnomAD exomes below 0.00001; ExAC 0.00001.
gnomAD v4.1: 3 of 1,612,868 alleles (0.00019%); highest among the groups gnomAD compares: Non-Finnish European, 0.00017%; no homozygotes.

Submission:

Labcorp Genetics (formerly Invitae), Labcorp
Classification: Uncertain significance for Bethlem myopathy 1A. Last evaluated: 2021-09-29. Review status: criteria provided, single submitter. Criteria: Invitae Variant Classification Sherloc (09022015). Collection method: clinical testing. Allele origin: germline.
Comment: This sequence change replaces proline with serine at codon 492 of the COL6A2 protein (p.Pro492Ser). The proline residue is highly conserved and there is a moderate physicochemical difference between proline and serine. This variant is present in population databases (rs778917725, ExAC 0.002%). This variant has not been reported in the literature in individuals affected with COL6A2-related conditions. Algorithms developed to predict the effect of missense changes on protein structure and function are either unavailable or do not agree on the potential impact of this missense change (SIFT: "Deleterious"; PolyPhen-2: "Benign"; Align-GVGD: "Class C0"). In summary, the available evidence is currently insufficient to determine the role of this variant in disease. Therefore, it has been classified as a Variant of Uncertain Significance.

NM_001849.4(COL6A2):c.1474C>T (p.Pro492Ser)

Gene: COL6A2 (collagen type VI alpha 2 chain; plus strand). Cytogenetic location: 21q22.3.
Variant type: single nucleotide variant.
Coding change: c.1474C>T on transcript NM_001849.4 (MANE Select); coding-DNA position 1474, C replaced by T.
Protein change: p.Pro492Ser; replaces proline 492 with serine.
Molecular consequence: missense variant.
Genome position (GRCh38, 1-based): chr21:46,121,571, C>T. VCF-style: chr21-46121571-C-T. GRCh37 (hg19) VCF-style: chr21-47541485-C-T.
Other names: c.1474C>T, p.Pro492Ser (NM_058174.3, NM_058175.3); short protein forms P492S.
Identifiers: ClinVar variation 953247 (VCV000953247.5), dbSNP rs778917725, ClinGen allele CA10071912.